The following is an entry in ClinVar:

NM_018979.4(WNK1):c.5281-182A>T

Gene: WNK1 (WNK lysine deficient protein kinase 1; plus strand). Cytogenetic location: 12p13.33.
Variant type: single nucleotide variant.
Coding change: c.5281-182A>T on transcript NM_018979.4 (MANE Select); 182 bases into the intron before coding-DNA position 5281, A replaced by T.
Molecular consequence: intron variant.
Genome position (GRCh38, 1-based): chr12:887,039, A>T. VCF-style: chr12-887039-A-T. GRCh37 (hg19) VCF-style: chr12-996205-A-T.
Other names: c.6037-182A>T (NM_213655.5); c.6061-182A>T (NM_001184985.2); c.4540-182A>T (NM_014823.3).
Identifiers: ClinVar variation 670309 (VCV000670309.2), dbSNP rs12298816, ClinGen allele CA231480011.
Genomic context (GRCh38, chr12:887,039, plus strand): 5'-CTTTTTACTGTATTTTACTATTCATTTTATAGGTATATCGTAGTAACCCCTATAATAACA[A>T]CATTAGTTGTCACACCGTTTTTTTAAGACAGATACCAGAGAGTAACCTCAGTGATAAACA-3'

ClinVar aggregate classification (germline): Benign. Review status: criteria provided, multiple submitters, no conflicts (2 of 4 stars). 2 submissions from 2 submitters: Benign (2). Last evaluated 2018-06-14.

Allele frequency attached by ClinVar (database versions not stated): 1000 Genomes Project 30x 0.98641; 1000 Genomes Project 0.98682; TOPMed 0.98700; gnomAD 0.98789 and 0.98859.
gnomAD v4.1: 150,612 of 152,332 alleles (99%); highest among the groups gnomAD compares: East Asian, 100%; 74,482 homozygotes.

Submissions (2):

GeneDx
Classification: Benign. Last evaluated: 2018-06-14. Review status: criteria provided, single submitter. Criteria: GeneDx Variant Classification (06012015). Collection method: clinical testing. Allele origin: germline. Affected: yes.
Comment: This variant is considered likely benign or benign based on one or more of the following criteria: it is a conservative change, it occurs at a poorly conserved position in the protein, it is predicted to be benign by multiple in silico algorithms, and/or has population frequency not consistent with disease.

Breakthrough Genomics
Classification: Benign. Review status: criteria provided, single submitter. Criteria: ACMG Guidelines, 2015. Collection method: not provided. Allele origin: germline. Inheritance: Autosomal recessive inheritance. Affected: yes.